The following is an entry in ClinVar:

ClinVar aggregate classification (germline): Uncertain significance (1 of 4 stars; one submission).

Conditions:
Hereditary diffuse gastric adenocarcinoma (HDGC). Also called: DIFFUSE GASTRIC AND LOBULAR BREAST CANCER SYNDROME. Identifiers: Orphanet 26106, MedGen C1708349, MONDO:0007648, OMIM 137215.

Allele frequency attached by ClinVar (database versions not stated): TOPMed 0.00001.

Submission:

Labcorp Genetics (formerly Invitae), Labcorp
Classification: Uncertain significance for Hereditary diffuse gastric adenocarcinoma. Last evaluated: 2019-10-09. Review status: criteria provided, single submitter. Criteria: Invitae Variant Classification Sherloc (09022015). Collection method: clinical testing. Allele origin: germline.
Comment: In summary, the available evidence is currently insufficient to determine the role of this variant in disease. Therefore, it has been classified as a Variant of Uncertain Significance. Algorithms developed to predict the effect of missense changes on protein structure and function are either unavailable or do not agree on the potential impact of this missense change (SIFT: "Deleterious"; PolyPhen-2: "Probably Damaging"; Align-GVGD: "Class C0"). This variant has not been reported in the literature in individuals with CDH1-related conditions. This variant is not present in population databases (ExAC no frequency). This sequence change replaces alanine with aspartic acid at codon 802 of the CDH1 protein (p.Ala802Asp). The alanine residue is highly conserved and there is a moderate physicochemical difference between alanine and aspartic acid.

NM_004360.5(CDH1):c.2405C>A (p.Ala802Asp)

Gene: CDH1 (cadherin 1; plus strand). Cytogenetic location: 16q22.1.
Variant type: single nucleotide variant.
Coding change: c.2405C>A on transcript NM_004360.5 (MANE Select); coding-DNA position 2405, C replaced by A.
Protein change: p.Ala802Asp; replaces alanine 802 with aspartic acid.
Molecular consequence: missense variant.
Genome position (GRCh38, 1-based): chr16:68,829,763, C>A. VCF-style: chr16-68829763-C-A. GRCh37 (hg19) VCF-style: chr16-68863666-C-A.
Other names: c.2222C>A, p.Ala741Asp (NM_001317184.2); c.857C>A, p.Ala286Asp (NM_001317185.2); c.440C>A, p.Ala147Asp (NM_001317186.2); short protein forms A741D, A147D, A286D, A802D.
Identifiers: ClinVar variation 941836 (VCV000941836.10), dbSNP rs1596972797, ClinGen allele CA396471231.
Genomic context (GRCh38, chr16:68,829,763, plus strand): 5'-TGACTCGTAACGACGTTGCACCAACCCTCATGAGTGTCCCCCGGTATCTTCCCCGCCCTG[C>A]CAATCCCGATGAAATTGGAAATTTTATTGATGAAGTAAGTAATCCACGTGGAAAGCCAAA-3'
Protein context (NP_004351.1, residues 792-812): MSVPRYLPRP[Ala802Asp]NPDEIGNFID